The following is an entry in ClinVar:

NM_000271.5(NPC1):c.3754G>C (p.Gly1252Arg)

Gene: NPC1 (NPC intracellular cholesterol transporter 1; minus strand). Cytogenetic location: 18q11.2.
Variant type: single nucleotide variant.
Coding change: c.3754G>C on transcript NM_000271.5 (MANE Select); coding-DNA position 3754, G replaced by C.
Protein change: p.Gly1252Arg; replaces glycine 1252 with arginine.
Molecular consequence: missense variant.
Genome position (GRCh38, 1-based): chr18:23,533,355, C>G on the plus strand (G>C on the coding strand, the complement: NPC1 is on the minus strand). VCF-style: chr18-23533355-C-G. GRCh37 (hg19) VCF-style: chr18-21113319-C-G.
Other names: short protein forms G1252R.
Identifiers: ClinVar variation 4818069 (VCV004818069.1).
Genomic context (GRCh38, chr18:23,533,355, plus strand): 5'-AGAATTCCCTTTCAGTAATGTCCTTCTATTGTGCCACCCTTTTAAGATGAGAACTCTTAC[C>G]TATGTAACTGAGTAAGACAGGGAGAAATATTAATCCGTGAGTGGCTCCCAGTAAGACCAT-3'
Protein context (NP_000262.2, residues 1242-1262): IFLPVLLSYI[Gly1252Arg]PSVNKAKSCA

ClinVar aggregate classification (germline): Likely pathogenic (1 of 4 stars; one submission).

Conditions:
Niemann-Pick disease, type C1. Also called: NIEMANN-PICK DISEASE, VARIANT TYPE C1; NEUROVISCERAL STORAGE DISEASE WITH VERTICAL SUPRANUCLEAR OPHTHALMOPLEGIA; NIEMANN-PICK DISEASE WITH CHOLESTEROL ESTERIFICATION BLOCK; NIEMANN-PICK DISEASE WITHOUT SPHINGOMYELINASE DEFICIENCY; NIEMANN-PICK DISEASE, CHRONIC NEURONOPATHIC FORM. Identifiers: Orphanet 646, MedGen C3179455, MONDO:0009757, OMIM 257220.

Submission:

Natera, Inc.
Classification: Likely pathogenic for Niemann-Pick disease type C1. Last evaluated: 2025-09-08. Review status: criteria provided, single submitter. Criteria: Natera Variant Classification Schema (03/2026). Collection method: clinical testing. Allele origin: germline.
Comment: The c.3754G>C variant in NPC1 is a missense variant predicted to cause substitution of glycine to arginine at amino acid 1252. This variant is rare in the general population with a frequency below the threshold expected for the associated phenotype(s). This variant has been observed in one or more individuals affected with the associated recessive disease, as either homozygous or compound heterozygous with a second variant (PMID: 20718790). Functional studies show that this variant may disrupt protein function (PMID: 20718790). Computational prediction algorithms indicate this variant is likely to affect gene or protein function. Given the available evidence, this variant is classified as Likely Pathogenic.

Literature cited by the submitters: PubMed 20718790.